The following is an entry in ClinVar:

ClinVar aggregate classification (germline): Uncertain significance (1 of 4 stars; one submission).

Conditions:
Primary ciliary dyskinesia. Also called: Ciliary dyskinesia. Identifiers: Orphanet 244, MedGen C0008780, MONDO:0016575, HP:0012265.

Submission:

Labcorp Genetics (formerly Invitae), Labcorp
Classification: Uncertain significance for Primary ciliary dyskinesia. Last evaluated: 2025-03-31. Review status: criteria provided, single submitter. Criteria: Invitae Variant Classification Sherloc (09022015). Collection method: clinical testing. Allele origin: germline.
Comment: This variant, c.2516_2524del, results in the deletion of 3 amino acid(s) of the RPGR (ORF15) protein (p.Glu839_Glu841del), but otherwise preserves the integrity of the reading frame. This variant is not present in population databases (gnomAD no frequency). This variant has not been reported in the literature in individuals affected with RPGR (ORF15)-related conditions. Experimental studies and prediction algorithms are not available or were not evaluated, and the functional significance of this variant is currently unknown. In summary, the available evidence is currently insufficient to determine the role of this variant in disease. Therefore, it has been classified as a Variant of Uncertain Significance.

NM_001034853.2(RPGR):c.2516_2524del (p.Glu839_Glu841del)

Gene: RPGR (retinitis pigmentosa GTPase regulator; minus strand). Cytogenetic location: Xp11.4.
Variant type: Deletion.
Coding change: c.2516_2524del on transcript NM_001034853.2 (MANE Select); coding-DNA positions 2516 to 2524, 9 bases deleted (AAGGGGAGG; older notation c.2516_2524delAAGGGGAGG).
Protein change: p.Glu839_Glu841del.
Molecular consequence: intron variant (on NM_001367249.1).
Genome position (GRCh38, 1-based): chrX:38,286,475-38,286,483, CCTCCCCTT deleted on the plus strand (AAGGGGAGG on the coding strand, the reverse complement: RPGR is on the minus strand); deleting any 9 consecutive bases within chrX:38,286,475-38,286,488 gives the same sequence; the c. name uses the placement nearest the transcript's 3' end. VCF-style (leftmost placement, unchanged base first): chrX-38286474-CCCTCCCCTT-C. GRCh37 (hg19) VCF-style: chrX-38145727-CCCTCCCCTT-C.
Other names: c.1569+4476_1569+4484del (NM_001367249.1, NM_001367250.1); c.1902+611_1902+619del (NM_001367245.1); c.1386+4476_1386+4484del (NM_001367251.1); c.1719+611_1719+619del (NM_001367246.1); c.1572+4476_1572+4484del (NM_001367247.1); c.1905+611_1905+619del (NM_000328.3); c.1602+4476_1602+4484del (NM_001367248.1).
Identifiers: ClinVar variation 3650862 (VCV003650862.2).